The following is an entry in ClinVar:

ClinVar aggregate classification (germline): Likely pathogenic. Review status: reviewed by expert panel (3 of 4 stars). 5 submissions from 5 submitters: Likely pathogenic (1). 4 of the submissions do not count toward it. Last evaluated 2026-05-26.

Conditions:
ABCA4-related retinopathy. Also called: ABCA4-related retinoapthy; ABCA4 retinoapthy. Identifiers: MedGen CN322612, MONDO:0800406.
Cone-rod dystrophy 3 (CORD3). Identifiers: Orphanet 1872, MedGen C1858806, MONDO:0011395, OMIM 604116.
Severe early-childhood-onset retinal dystrophy (STGD1). Also called: Stargardt macular dystrophy; Juvenile onset macular degeneration; Stargardt disease 1; MACULAR DYSTROPHY WITH FLECKS, TYPE 1; STGD. Identifiers: Orphanet 364055, Orphanet 827, MedGen C1855465, MeSH D000080362, MONDO:0009549, OMIM 248200.
Retinitis pigmentosa 19 (RP19). Also called: ABCA4-Related Retinitis Pigmentosa. Identifiers: Orphanet 791, MedGen C1866422, MONDO:0011137, OMIM 601718.
Age related macular degeneration 2. Also called: MACULOPATHY, AGE-RELATED; MACULAR DEGENERATION, SENILE; MACULOPATHY, AGE-RELATED, 2. Identifiers: MedGen C3495438, MONDO:0007932, OMIM 153800.

Allele frequency attached by ClinVar (database versions not stated): TOPMed 0.00002; ExAC 0.00002; gnomAD 0.00002; gnomAD exomes 0.00002.
gnomAD v4.1: 52 of 1,613,972 alleles (0.0032%); highest among the groups gnomAD compares: Admixed American, 0.01%; no homozygotes.

Submissions (5):

ClinGen ABCA4 Variant Curation Expert Panel, Clingen
Classification: Likely pathogenic for ABCA4-related retinopathy. Last evaluated: 2026-05-26. Review status: reviewed by expert panel. Criteria: ClinGen ABCA4 ACMG Specifications V1.0.0. Collection method: curation. Allele origin: germline. Inheritance: Autosomal recessive inheritance.
Comment: The NM_000350.3:c.6113G>A variant in ABCA4 is a missense variant predicted to cause substitution of arginine by glutamine at amino acid 2038; p.Arg2038Gln. The total minor allele frequency in gnomAD v4.1.0 is 0.00004285 (52/1613972 alleles), which is lower than the ClinGen ABCA4 VCEP’s threshold for PM2_Supporting (<0.0001). The computational predictor REVEL gives a score of 0.894 which is above the threshold of >0.772 meeting PP3_Moderate. This variant has been detected in at least 1 individual with ABCA4-related retinopathy who is compound heterozygous for the variant and a pathogenic variant confirmed in trans through family testing (c.1804C>T; p.Arg602Trp) (PM3; PMID: 33261146). Another missense variant, c.6112C>T; p.Arg2038Trp (ClinVar ID: 99430), in the same codon has been classified as pathogenic for ABCA4-related retinopathy by the ClinGen ABCA4 VCEP, and Splice AI revealed no expected effects on splicing (PM5). In summary, this variant meets the criteria to be classified as likely pathogenic for ABCA4-related retinopathy based on the ACMG/AMP criteria applied, as specified by the ClinGen ABCA4 VCEP (Specification Version 1.0.0): PM3, PP3_Moderate, PM5, PM2_Supporting.

Labcorp Genetics (formerly Invitae), Labcorp
Classification: Pathogenic. Last evaluated: 2024-08-26. Review status: criteria provided, single submitter. Criteria: Invitae Variant Classification Sherloc (09022015). Collection method: clinical testing. Allele origin: germline. Not counted in ClinVar's aggregate classification.
Comment: This sequence change replaces arginine, which is basic and polar, with glutamine, which is neutral and polar, at codon 2038 of the ABCA4 protein (p.Arg2038Gln). This variant is present in population databases (rs767729255, gnomAD 0.006%). This missense change has been observed in individual(s) with retinitis pigmentosa and/or Stargardt disease (PMID: 33261146). In at least one individual the data is consistent with being in trans (on the opposite chromosome) from a pathogenic variant. ClinVar contains an entry for this variant (Variation ID: 282260). Invitae Evidence Modeling of protein sequence and biophysical properties (such as structural, functional, and spatial information, amino acid conservation, physicochemical variation, residue mobility, and thermodynamic stability) indicates that this missense variant is expected to disrupt ABCA4 protein function with a positive predictive value of 95%. This variant disrupts the p.Arg2038 amino acid residue in ABCA4. Other variant(s) that disrupt this residue have been determined to be pathogenic (PMID: 15161829, 24763286, 29854428, 29925512). This suggests that this residue is clinically significant, and that variants that disrupt this residue are likely to be disease-causing. For these reasons, this variant has been classified as Pathogenic.

Fulgent Genetics
Classification: Likely pathogenic for Age related macular degeneration 2; Severe early-childhood-onset retinal dystrophy; Retinitis pigmentosa 19; Cone-rod dystrophy 3. Last evaluated: 2024-01-23. Review status: criteria provided, single submitter. Criteria: ACMG Guidelines, 2015. Collection method: clinical testing. Allele origin: germline. Not counted in ClinVar's aggregate classification.

3billion
Classification: Likely pathogenic for Severe early-childhood-onset retinal dystrophy. Last evaluated: 2022-05-22. Review status: criteria provided, single submitter. Criteria: ACMG Guidelines, 2015. Collection method: clinical testing. Allele origin: germline. Affected: yes. Observed: 1 heterozygote. Not counted in ClinVar's aggregate classification.
Comment: The variant is observed at an extremely low frequency in the gnomAD v2.1.1 dataset (total allele frequency: 0.002%). In silico tool predictions suggest damaging effect of the variant on gene or gene product (REVEL: 0.89; 3Cnet: 0.85). Same nucleotide change resulting in same amino acid change has been previously reported to be associated with ABCA4 related disorder (PMID: 33261146). A different missense change at the same codon (p.Arg2038Trp) has been reported as pathogenic/likely pathogenic with strong evidence (ClinVar ID: VCV000099430). Therefore, this variant is classified as likely pathogenic according to the recommendation of ACMG/AMP guideline.

Eurofins Ntd Llc (ga)
Classification: Uncertain significance. Last evaluated: 2015-08-11. Review status: criteria provided, single submitter. Criteria: EGL Classification Definitions 2015. Collection method: clinical testing. Allele origin: germline. Observed: 1 variant allele, 1 heterozygote. Not counted in ClinVar's aggregate classification.

Literature cited by the submitters: PubMed 33261146 (cited by Labcorp Genetics (formerly Invitae), Labcorp and 3billion); PubMed 15161829 (cited by Labcorp Genetics (formerly Invitae), Labcorp); PubMed 24763286 (cited by Labcorp Genetics (formerly Invitae), Labcorp); PubMed 29854428 (cited by Labcorp Genetics (formerly Invitae), Labcorp); PubMed 29925512 (cited by Labcorp Genetics (formerly Invitae), Labcorp).

NM_000350.3(ABCA4):c.6113G>A (p.Arg2038Gln)

Gene: ABCA4 (ATP binding cassette subfamily A member 4; minus strand). Cytogenetic location: 1p22.1.
Variant type: single nucleotide variant.
Coding change: c.6113G>A on transcript NM_000350.3 (MANE Select); coding-DNA position 6113, G replaced by A.
Protein change: p.Arg2038Gln; replaces arginine 2038 with glutamine.
Molecular consequence: missense variant.
Genome position (GRCh38, 1-based): chr1:94,005,475, C>T on the plus strand (G>A on the coding strand, the complement: ABCA4 is on the minus strand). VCF-style: chr1-94005475-C-T. GRCh37 (hg19) VCF-style: chr1-94471031-C-T.
Other names: NM_000350.3(ABCA4):c.6113G>A; p.Arg2038Gln; c.6113G>A (NM_000350.2); c.5891G>A, p.Arg1964Gln (NM_001425324.1); short protein forms R2038Q, R1964Q.
Identifiers: ClinVar variation 282260 (VCV000282260.17), dbSNP rs767729255, ClinGen allele CA957026.
Genomic context (GRCh38, chr1:94,005,475, plus strand): 5'-TGTGGCCACAACAAAACATTTTTCACCTTTTCGATTTCTTCTGCTGGTACACCTCGAAGC[C>T]GGGCATAAAGGTAAAGATGTTCTCGTCCTGTGAGCAGCTCATCAATTGCATCAAACTGAG-3'
Protein context (NP_000341.2, residues 2028-2048): TGREHLYLYA[Arg2038Gln]LRGVPAEEIE